The following is an entry in ClinVar:

ClinVar aggregate classification (germline): Uncertain significance (1 of 4 stars; one submission).

Submission:

Labcorp Genetics (formerly Invitae), Labcorp
Classification: Uncertain significance. Last evaluated: 2022-05-16. Review status: criteria provided, single submitter. Criteria: Invitae Variant Classification Sherloc (09022015). Collection method: clinical testing. Allele origin: germline.
Comment: This sequence change replaces arginine, which is basic and polar, with proline, which is neutral and non-polar, at codon 401 of the ARHGEF18 protein (p.Arg401Pro). This variant is not present in population databases (gnomAD no frequency). This variant has not been reported in the literature in individuals affected with ARHGEF18-related conditions. Algorithms developed to predict the effect of missense changes on protein structure and function are either unavailable or do not agree on the potential impact of this missense change (SIFT: "Deleterious"; PolyPhen-2: "Probably Damaging"; Align-GVGD: "Class C0"). In summary, the available evidence is currently insufficient to determine the role of this variant in disease. Therefore, it has been classified as a Variant of Uncertain Significance.

NM_001367823.1(ARHGEF18):c.1766G>C (p.Arg589Pro)

Gene: ARHGEF18 (Rho/Rac guanine nucleotide exchange factor 18; plus strand). Cytogenetic location: 19p13.2.
Variant type: single nucleotide variant.
Coding change: c.1766G>C on transcript NM_001367823.1 (MANE Select); coding-DNA position 1766, G replaced by C.
Protein change: p.Arg589Pro; replaces arginine 589 with proline.
Molecular consequence: missense variant.
Genome position (GRCh38, 1-based): chr19:7,451,177, G>C. VCF-style: chr19-7451177-G-C. GRCh37 (hg19) VCF-style: chr19-7516063-G-C.
Other names: c.1040G>C, p.Arg347Pro (NM_001130955.2); c.728G>C, p.Arg243Pro (NM_001367824.1, NM_015318.4); short protein forms R347P, R589P, R243P.
Identifiers: ClinVar variation 2051048 (VCV002051048.1), dbSNP rs764054211, ClinGen allele CA403110557.